The following is an entry in ClinVar:

ClinVar aggregate classification (germline): Uncertain significance (1 of 4 stars; one submission).

Conditions:
Immunodeficiency 14 (IMD14A). Also called: IMMUNODEFICIENCY 14A WITH LYMPHOPROLIFERATION, AUTOSOMAL DOMINANT; p110-DELTA-ACTIVATING MUTATION CAUSING SENESCENT T CELLS, LYMPHADENOPATHY, AND IMMUNODEFICIENCY; ACTIVATED PI3K-DELTA SYNDROME 1; Activated PI3K Delta Syndrome Type 1 (APDS1). Identifiers: Orphanet 397596, Orphanet 693661, MedGen C5907821, MONDO:0014222, OMIM 615513.

gnomAD v4.1: 1 of 1,611,762 alleles (0.000062%); highest among the groups gnomAD compares: Non-Finnish European, 0.000085%; no homozygotes.

Submission:

Labcorp Genetics (formerly Invitae), Labcorp
Classification: Uncertain significance for Activated PI3K-delta syndrome. Last evaluated: 2025-01-27. Review status: criteria provided, single submitter. Criteria: Invitae Variant Classification Sherloc (09022015). Collection method: clinical testing. Allele origin: germline.
Comment: This sequence change falls in intron 12 of the PIK3CD gene. It does not directly change the encoded amino acid sequence of the PIK3CD protein. It affects a nucleotide within the consensus splice site. The frequency data for this variant in the population databases is considered unreliable, as metrics indicate poor data quality at this position in the gnomAD database. This variant has not been reported in the literature in individuals affected with PIK3CD-related conditions. Variants that disrupt the consensus splice site are a relatively common cause of aberrant splicing (PMID: 17576681, 9536098). Algorithms developed to predict the effect of sequence changes on RNA splicing suggest that this variant is not likely to affect RNA splicing. In summary, the available evidence is currently insufficient to determine the role of this variant in disease. Therefore, it has been classified as a Variant of Uncertain Significance.

Literature cited by the submitters: PubMed 17576681; PubMed 9536098.

NM_005026.5(PIK3CD):c.1522-3C>T

Gene: PIK3CD (phosphatidylinositol-4,5-bisphosphate 3-kinase catalytic subunit delta; plus strand). Cytogenetic location: 1p36.22.
Variant type: single nucleotide variant.
Coding change: c.1522-3C>T on transcript NM_005026.5 (MANE Select); 3 bases into the intron before coding-DNA position 1522, C replaced by T.
Molecular consequence: intron variant.
Genome position (GRCh38, 1-based): chr1:9,720,739, C>T. VCF-style: chr1-9720739-C-T. GRCh37 (hg19) VCF-style: chr1-9780797-C-T.
Other names: c.1522-6C>T (NM_001350234.2); c.1435-3C>T (NM_001350235.1).
Identifiers: ClinVar variation 3614398 (VCV003614398.2).
Genomic context (GRCh38, chr1:9,720,739, plus strand): 5'-GTGGGGTGGGGGGCATGGAGCCGGCGTGGAACCAGAGCCCTCACTCCTGCCCACACCCCT[C>T]AGCAGCTGCAGCTGCGGGAAATCCTGGAGCGGCGGGGGTCTGGGGAGCTGTATGAGCACG-3'